The following is an entry in ClinVar:

ClinVar aggregate classification (germline): Likely pathogenic (1 of 4 stars; one submission).

Conditions:
X-linked Alport syndrome (ATS1). Also called: NEPHROPATHY AND DEAFNESS, X-LINKED; COL4A5-Related Nephropathy. Identifiers: Orphanet 63, Orphanet 88917, MedGen C4746986, MONDO:0010520, OMIM 301050.

Submission:

Victorian Clinical Genetics Services, Murdoch Childrens Research Institute
Classification: Likely pathogenic for X-linked Alport syndrome. Last evaluated: 2025-09-18. Review status: criteria provided, single submitter. Criteria: ACMG Guidelines, 2015. Collection method: clinical testing. Allele origin: germline. Affected: yes.
Comment: This variant is classified as Likely pathogenic. Evidence in support of pathogenic classification: Variant is absent from gnomAD (v2, v3 and v4); Other missense variant(s) comparable to the one identified in this case have moderate previous evidence for pathogenicity. p.(Gly1258Ser) and p.(Gly1258Asp) have been classified as pathogenic/likely pathogenic by clinical laboratories in ClinVar. In addition, p.(Gly1258Ser) has been reported in the literature in six individuals from a single family with Alport syndrome (PMID: 36553470); Variant is located in the well-established triple helical G-X-Y repeat region and affects a glycine residue (DECIPHER); Missense variant predicted to be damaging by in silico tool(s) or highly conserved with a major amino acid change. Additional information: Variant is predicted to result in a missense amino acid change from Gly to Val; This variant is hemizygous; This gene is associated with X-linked dominant disease. Males are typically more severely affected than females (PMID: 19965530); This variant has no previous evidence of pathogenicity; No published evidence of segregation with disease has been identified for this variant; No published functional evidence has been identified for this variant; Dominant negative and loss of function are known mechanisms of disease in this gene and are associated with X-linked Alport syndrome 1 (MIM#301050). Dominant negative is caused mostly by glycine substitutions that affect the conformation of the protein, and loss of function can be caused by either protein truncating or missense variants (PMID: 24046192, 12028435); Variants in this gene are known to have variable expressivity. There is intrafamilial variability among affected carrier females, possibly due to variable X-inactivation (PMID: 14514738); Inheritance information for this variant is not currently available in this individual.

Literature cited by the submitters: PubMed 24046192; PubMed 12028435; PubMed 14514738; PubMed 19965530; PubMed 36553470.

NM_033380.3(COL4A5):c.3773G>T (p.Gly1258Val)

Gene: COL4A5 (collagen type IV alpha 5 chain; plus strand). Cytogenetic location: Xq22.3.
Variant type: single nucleotide variant.
Coding change: c.3773G>T on transcript NM_033380.3 (MANE Select); coding-DNA position 3773, G replaced by T.
Protein change: p.Gly1258Val; replaces glycine 1258 with valine.
Molecular consequence: missense variant.
Genome position (GRCh38, 1-based): chrX:108,668,487, G>T. VCF-style: chrX-108668487-G-T. GRCh37 (hg19) VCF-style: chrX-107911717-G-T.
Other names: c.3773G>T, p.Gly1258Val (NM_000495.5); short protein forms G1258V.
Identifiers: ClinVar variation 1805492 (VCV001805492.4), dbSNP rs2524576103, ClinGen allele CA413849123.
Genomic context (GRCh38, chrX:108,668,487, plus strand): 5'-GCCCTCCTGGTTCTCCGGGTCCAGCTCTGGAAGGACCTAAAGGCAACCCTGGGCCCCAAG[G>T]TCCTCCTGGGAGACCAGGTATGTCCGTGAGTGGTAGGAGAATGGTCTATTTATTAGTCCA-3'
Protein context (NP_203699.1, residues 1248-1268): EGPKGNPGPQ[Gly1258Val]PPGRPGPTGF